The following is an entry in ClinVar:

ClinVar aggregate classification (germline): Uncertain significance. Review status: criteria provided, multiple submitters, no conflicts (2 of 4 stars). 2 submissions from 2 submitters: Uncertain significance (2). Last evaluated 2024-10-11.

Conditions:
Hereditary cancer-predisposing syndrome. Also called: Hereditary neoplastic syndrome; Neoplastic Syndromes, Hereditary; Tumor predisposition; Hereditary Cancer Syndrome. Identifiers: Orphanet 140162, MedGen C0027672, MeSH D009386, MONDO:0015356.
Parathyroid carcinoma (PRTC). Also called: Parathyroid gland carcinoma; CDC73-Related Parathyroid Carcinoma. Identifiers: Orphanet 143, MedGen C0687150, MONDO:0012004, OMIM 608266, HP:0006780.

Submissions (2):

Ambry Genetics
Classification: Uncertain significance for Hereditary cancer-predisposing syndrome. Last evaluated: 2024-10-11. Review status: criteria provided, single submitter. Criteria: Ambry Variant Classification Scheme 2023. Collection method: clinical testing. Allele origin: germline.
Comment: The p.R229S variant (also known as c.687A>T), located in coding exon 7 of the CDC73 gene, results from an A to T substitution at nucleotide position 687. The arginine at codon 229 is replaced by serine, an amino acid with dissimilar properties. This amino acid position is conserved. In addition, this alteration is predicted to be deleterious by in silico analysis. Based on the available evidence, the clinical significance of this variant remains unclear.

Labcorp Genetics (formerly Invitae), Labcorp
Classification: Uncertain significance for Parathyroid carcinoma. Last evaluated: 2019-11-18. Review status: criteria provided, single submitter. Criteria: Invitae Variant Classification Sherloc (09022015). Collection method: clinical testing. Allele origin: germline.
Comment: This sequence change replaces arginine with serine at codon 229 of the CDC73 protein (p.Arg229Ser). The arginine residue is highly conserved and there is a moderate physicochemical difference between arginine and serine. This variant is not present in population databases (ExAC no frequency). In summary, the available evidence is currently insufficient to determine the role of this variant in disease. Therefore, it has been classified as a Variant of Uncertain Significance. Algorithms developed to predict the effect of missense changes on protein structure and function are either unavailable or do not agree on the potential impact of this missense change (SIFT: "Deleterious"; PolyPhen-2: "Probably Damaging"; Align-GVGD: "Class C0"). This variant has not been reported in the literature in individuals with CDC73-related conditions.

NM_024529.5(CDC73):c.687A>T (p.Arg229Ser)

Gene: CDC73 (cell division cycle 73; plus strand). Cytogenetic location: 1q31.2.
Variant type: single nucleotide variant.
Coding change: c.687A>T on transcript NM_024529.5 (MANE Select); coding-DNA position 687, A replaced by T.
Protein change: p.Arg229Ser; replaces arginine 229 with serine.
Molecular consequence: missense variant.
Genome position (GRCh38, 1-based): chr1:193,142,024, A>T. VCF-style: chr1-193142024-A-T. GRCh37 (hg19) VCF-style: chr1-193111154-A-T.
Other names: short protein forms R229S.
Identifiers: ClinVar variation 834482 (VCV000834482.11), dbSNP rs1675914685, ClinGen allele CA343962766.